The following is an entry in ClinVar:

NM_052947.4(ALPK2):c.848T>C (p.Ile283Thr)

Genes: ALPK2 (alpha kinase 2; minus strand), LOC114803473 (ALPK2 eExon liver enhancer; plus strand). Cytogenetic location: 18q21.31.
Variant type: single nucleotide variant.
Coding change: c.848T>C on transcript NM_052947.4 (MANE Select); coding-DNA position 848, T replaced by C.
Protein change: p.Ile283Thr; replaces isoleucine 283 with threonine.
Molecular consequence: missense variant.
Genome position (GRCh38, 1-based): chr18:58,579,928, A>G on the plus strand (T>C on the coding strand, the complement: ALPK2 is on the minus strand). VCF-style: chr18-58579928-A-G. GRCh37 (hg19) VCF-style: chr18-56247160-A-G.
Other names: short protein forms I283T.
Identifiers: ClinVar variation 1763577 (VCV001763577.2), dbSNP rs2518899764, ClinGen allele CA402567059.

ClinVar aggregate classification (germline): Uncertain significance (1 of 4 stars; one submission).

Submission:

Ambry Genetics
Classification: Uncertain significance. Last evaluated: 2022-10-12. Review status: criteria provided, single submitter. Criteria: Ambry Variant Classification Scheme 2023. Collection method: clinical testing. Allele origin: germline.
Comment: The p.I283T variant (also known as c.848T>C), located in coding exon 3 of the ALPK2 gene, results from a T to C substitution at nucleotide position 848. The isoleucine at codon 283 is replaced by threonine, an amino acid with similar properties. This amino acid position is conserved. In addition, this alteration is predicted to be tolerated by in silico analysis. Since supporting evidence is limited at this time, the clinical significance of this alteration remains unclear.